The following is an entry in ClinVar:

NM_000108.5(DLD):c.1354G>T (p.Gly452Ter)

Gene: DLD (dihydrolipoamide dehydrogenase; plus strand). Cytogenetic location: 7q31.1.
Variant type: single nucleotide variant.
Coding change: c.1354G>T on transcript NM_000108.5 (MANE Select); coding-DNA position 1354, G replaced by T.
Protein change: p.Gly452Ter; replaces glycine 452 with a stop codon.
Molecular consequence: nonsense.
Genome position (GRCh38, 1-based): chr7:107,918,041, G>T. VCF-style: chr7-107918041-G-T. GRCh37 (hg19) VCF-style: chr7-107558486-G-T.
Other names: c.1057G>T, p.Gly353Ter (NM_001289750.1); c.1285G>T, p.Gly429Ter (NM_001289751.1); c.1210G>T, p.Gly404Ter (NM_001289752.1); short protein forms G353*, G404*, G429*, G452*.
Identifiers: ClinVar variation 5013597 (VCV005013597.1).
Genomic context (GRCh38, chr7:107,918,041, plus strand): 5'-AATGCTGACACAGATGGCATGGTGAAGATCCTTGGGCAGAAATCGACAGACAGAGTACTG[G>T]GAGCACATATTCTTGGACCAGTGAGTATTGTAAAACCAGAGAAATCCCATTAAGATTTCT-3'

ClinVar aggregate classification (germline): Pathogenic (1 of 4 stars; one submission).

Conditions:
Pyruvate dehydrogenase E3 deficiency (DLDD). Also called: Dihydrolipoamide Dehydrogenase (E3) Deficiency; DLD DEFICIENCY; E3 DEFICIENCY; Dihydrolipoamide Dehydrogenase E3 Deficiency; MAPLE SYRUP URINE DISEASE, TYPE III; Lipoamide dehydrogenase deficiency, lactic acidosis due to. Identifiers: Orphanet 2394, Orphanet 765, MedGen C5574660, MONDO:0009529, OMIM 246900.

Submission:

Myriad Genetics, Inc.
Classification: Pathogenic for Pyruvate dehydrogenase E3 deficiency. Last evaluated: 2024-10-01. Review status: criteria provided, single submitter. Criteria: Myriad Autosomal Dominant, Autosomal Recessive and X-Linked Classification Criteria (2023). Collection method: clinical testing. Allele origin: unknown.
Comment: NM_000108.3(DLD):c.1354G>T(G452*) is expected to be pathogenic in the context of dihydrolipoamide dehydrogenase deficiency. This variant is predicted to lead to an abnormal or absent protein product due to the creation of a premature termination codon in DLD, a gene where loss-of-function variants are known to be pathogenic. Please note: this variant was assessed in the context of healthy population screening.